The following is an entry in ClinVar:

NM_001318852.2(MAPK8IP3):c.2994G>T (p.Lys998Asn)

Gene: MAPK8IP3 (mitogen-activated protein kinase 8 interacting protein 3; plus strand). Cytogenetic location: 16p13.3.
Variant type: single nucleotide variant.
Coding change: c.2994G>T on transcript NM_001318852.2 (MANE Select); coding-DNA position 2994, G replaced by T.
Protein change: p.Lys998Asn; replaces lysine 998 with asparagine.
Molecular consequence: missense variant.
Genome position (GRCh38, 1-based): chr16:1,766,777, G>T. VCF-style: chr16-1766777-G-T. GRCh37 (hg19) VCF-style: chr16-1816778-G-T.
Other names: c.2973G>T, p.Lys991Asn (NM_001040439.2); c.2991G>T, p.Lys997Asn (NM_015133.5); short protein forms K991N, K997N, K998N.
Identifiers: ClinVar variation 4996201 (VCV004996201.1).

ClinVar aggregate classification (germline): Uncertain significance (1 of 4 stars; one submission).

Conditions:
MAPK8IP3-related disorder. Also called: MAPK8IP3-related condition.

Submission:

PreventionGenetics, part of Exact Sciences
Classification: Uncertain significance for MAPK8IP3-related condition. Last evaluated: 2026-03-27. Review status: criteria provided, single submitter. Criteria: ACMG Guidelines, 2015. Collection method: clinical testing. Allele origin: germline.
Comment: The MAPK8IP3 c.2994G>T variant is predicted to result in the amino acid substitution p.Lys998Asn. To our knowledge, this variant has not been reported in the literature or in a large population database (gnomAD), indicating this variant is rare. At this time, the clinical significance of this variant is uncertain due to the absence of conclusive functional and genetic evidence.